The following is an entry in ClinVar:

ClinVar aggregate classification (germline): Uncertain significance (1 of 4 stars; one submission).

Submission:

GeneDx
Classification: Uncertain significance. Last evaluated: 2026-04-22. Review status: criteria provided, single submitter. Criteria: GeneDx Variant Classification Process June 2021. Collection method: clinical testing. Allele origin: germline.
Comment: Not observed at significant frequency in large population cohorts (gnomAD); In silico analysis supports a deleterious effect on splicing; Has not been previously published as pathogenic or benign to our knowledge

NM_014633.5(CTR9):c.1597+5G>A

Genes: CTR9 (CTR9 component of Paf1/RNA polymerase II complex; plus strand), LOC126861140 (CDK7 strongly-dependent group 2 enhancer GRCh37_chr11:10785333-10786532; plus strand). Cytogenetic location: 11p15.4.
Variant type: single nucleotide variant.
Coding change: c.1597+5G>A on transcript NM_014633.5 (MANE Select); 5 bases into the intron after coding-DNA position 1597, G replaced by A.
Molecular consequence: intron variant.
Genome position (GRCh38, 1-based): chr11:10,764,736, G>A. VCF-style: chr11-10764736-G-A. GRCh37 (hg19) VCF-style: chr11-10786283-G-A.
Other names: c.1597+5G>A (NM_001346279.2).
Identifiers: ClinVar variation 5037565 (VCV005037565.1).